The following is an entry in ClinVar:

NM_001384140.1(PCDH15):c.4671+1463_4671+1466dup

Gene: PCDH15 (protocadherin related 15; minus strand). Cytogenetic location: 10q21.1.
Variant type: Duplication.
Coding change: c.4671+1463_4671+1466dup on transcript NM_001384140.1 (MANE Select); bases 1463 to 1466 of the intron after coding-DNA position 4671, 4 bases duplicated (GAAA; older notation c.4671+1463_4671+1466dupGAAA).
Molecular consequence: intron variant. On other transcripts: frameshift variant (2), 3 prime UTR variant (1).
Genome position (GRCh38, 1-based): chr10:53,809,090-53,809,093, TTTC duplicated on the plus strand (GAAA on the coding strand, the reverse complement: PCDH15 is on the minus strand); duplicating any 4 consecutive bases within chr10:53,809,090-53,809,094 gives the same sequence; the c. name uses the placement nearest the transcript's 3' end. VCF-style (leftmost placement, unchanged base first): chr10-53809089-T-TTTTC. GRCh37 (hg19) VCF-style: chr10-55568849-T-TTTTC.
Other names: c.4971_4974dup, p.Lys1659Argfs (NM_001142769.4); c.*387_*390dup (NM_001142770.3); c.4951_4954dup, p.Lys1652fs (NM_001354411.2); c.4476+1463_4476+1466dup (NM_001354420.2); c.4605+1463_4605+1466dup (NM_001354429.2); c.4482+1463_4482+1466dup (NM_001142772.2); c.4497+1463_4497+1466dup (NM_001142771.2); short protein forms K1652fs, K1659fs.
Identifiers: ClinVar variation 3601628 (VCV003601628.1).

ClinVar aggregate classification (germline): Pathogenic (1 of 4 stars; one submission).

Conditions:
Autosomal recessive nonsyndromic hearing loss 23. Identifiers: Orphanet 90636, MedGen C1836027, MONDO:0012293, OMIM 609533.

Submission:

Institute of Rare Diseases, West China Hospital, Sichuan University
Classification: Pathogenic for Autosomal recessive nonsyndromic hearing loss 23. Last evaluated: 2025-01-09. Review status: criteria provided, single submitter. Criteria: ClinGen HL ACMG Specifications v1. Collection method: research. Allele origin: germline. Affected: yes.
Comment: PVS1;PM3;PM2_Supporting